The following is an entry in ClinVar:

ClinVar aggregate classification (germline): Uncertain significance (1 of 4 stars; one submission).

Conditions:
Cardiovascular phenotype. Identifiers: MedGen CN230736.

Submission:

Ambry Genetics
Classification: Uncertain significance for Cardiovascular phenotype. Last evaluated: 2023-03-29. Review status: criteria provided, single submitter. Criteria: Ambry Variant Classification Scheme 2023. Collection method: clinical testing. Allele origin: germline.
Comment: The p.A97P variant (also known as c.289G>C), located in coding exon 1 of the CHST14 gene, results from a G to C substitution at nucleotide position 289. The alanine at codon 97 is replaced by proline, an amino acid with highly similar properties. This amino acid position is conserved. In addition, this alteration is predicted to be tolerated by in silico analysis. Since supporting evidence is limited at this time, the clinical significance of this alteration remains unclear.

NM_130468.4(CHST14):c.289G>C (p.Ala97Pro)

Gene: CHST14 (carbohydrate sulfotransferase 14; plus strand). Cytogenetic location: 15q15.1.
Variant type: single nucleotide variant.
Coding change: c.289G>C on transcript NM_130468.4 (MANE Select); coding-DNA position 289, G replaced by C.
Protein change: p.Ala97Pro; replaces alanine 97 with proline.
Molecular consequence: missense variant.
Genome position (GRCh38, 1-based): chr15:40,471,502, G>C. VCF-style: chr15-40471502-G-C. GRCh37 (hg19) VCF-style: chr15-40763701-G-C.
Other names: short protein forms A97P.
Identifiers: ClinVar variation 2562247 (VCV002562247.2), dbSNP rs1310947796, ClinGen allele CA391764818.